The following is an entry in ClinVar:

NM_000297.4(PKD2):c.2022dup (p.Met675fs)

Gene: PKD2 (polycystin 2, transient receptor potential cation channel; plus strand). Cytogenetic location: 4q22.1.
Variant type: Duplication.
Coding change: c.2022dup on transcript NM_000297.4 (MANE Select); coding-DNA position 2022, one base duplicated (T; older notation c.2022dupT).
Protein change: p.Met675fs; shifts the reading frame from methionine 675.
Molecular consequence: frameshift variant. On other transcripts: non-coding transcript variant (1).
Genome position (GRCh38, 1-based): chr4:88,061,908, T duplicated. VCF-style (leftmost placement, unchanged base first): chr4-88061907-A-AT. GRCh37 (hg19) VCF-style: chr4-88983059-A-AT.
Other names: short protein forms M675fs.
Identifiers: ClinVar variation 3346140 (VCV003346140.1).

ClinVar aggregate classification (germline): Likely pathogenic (0 of 4 stars; one submission).

Conditions:
PKD2-related disorder. Also called: PKD2-related condition.

Submission:

PreventionGenetics, part of Exact Sciences
Classification: Likely pathogenic for PKD2-related condition. Last evaluated: 2024-09-23. Review status: no assertion criteria provided. Collection method: clinical testing. Allele origin: germline.
Comment: The PKD2 c.2022dupT variant is predicted to result in a frameshift and premature protein termination (p.Met675Tyrfs*8). To our knowledge, this variant has not been reported in the literature or in gnomAD, indicating this variant is rare. Frameshift variants in PKD2 are expected to be pathogenic. This variant is interpreted as likely pathogenic.